The following is an entry in ClinVar:

ClinVar aggregate classification (germline): Uncertain significance (1 of 4 stars; one submission).

gnomAD v4.1: 1 of 1,614,170 alleles (0.000062%); highest among the groups gnomAD compares: Non-Finnish European, 0.000085%; no homozygotes.

Submission:

Labcorp Genetics (formerly Invitae), Labcorp
Classification: Uncertain significance. Last evaluated: 2025-04-29. Review status: criteria provided, single submitter. Criteria: Invitae Variant Classification Sherloc (09022015). Collection method: clinical testing. Allele origin: germline.
Comment: This sequence change replaces valine, which is neutral and non-polar, with phenylalanine, which is neutral and non-polar, at codon 258 of the OAS1 protein (p.Val258Phe). This variant is not present in population databases (gnomAD no frequency). This variant has not been reported in the literature in individuals affected with OAS1-related conditions. An algorithm developed to predict the effect of missense changes on protein structure and function (PolyPhen-2) suggests that this variant is likely to be disruptive. In summary, the available evidence is currently insufficient to determine the role of this variant in disease. Therefore, it has been classified as a Variant of Uncertain Significance.

NM_016816.4(OAS1):c.772G>T (p.Val258Phe)

Gene: OAS1 (2'-5'-oligoadenylate synthetase 1; plus strand). Cytogenetic location: 12q24.13.
Variant type: single nucleotide variant.
Coding change: c.772G>T on transcript NM_016816.4 (MANE Select); coding-DNA position 772, G replaced by T.
Protein change: p.Val258Phe; replaces valine 258 with phenylalanine.
Molecular consequence: missense variant. On other transcripts: non-coding transcript variant (9).
Genome position (GRCh38, 1-based): chr12:112,916,626, G>T. VCF-style: chr12-112916626-G-T. GRCh37 (hg19) VCF-style: chr12-113354431-G-T.
Other names: c.772G>T, p.Val258Phe (NM_001032409.3, NM_001320151.2, NM_001406022.1 and 1 more transcripts); c.748G>T, p.Val250Phe (NM_001406020.1, NM_001406021.1, NM_001406023.1 and 2 more transcripts); c.298G>T, p.Val100Phe (NM_001406026.1, NM_001406027.1, NM_001406029.1 and 1 more transcripts); short protein forms V250F, V258F, V100F.
Identifiers: ClinVar variation 4718165 (VCV004718165.1).